The following is an entry in ClinVar:

NM_004329.3(BMPR1A):c.485T>C (p.Val162Ala)

Gene: BMPR1A (bone morphogenetic protein receptor type 1A; plus strand). Cytogenetic location: 10q23.2.
Variant type: single nucleotide variant.
Coding change: c.485T>C on transcript NM_004329.3 (MANE Select); coding-DNA position 485, T replaced by C.
Protein change: p.Val162Ala; replaces valine 162 with alanine.
Molecular consequence: missense variant. On other transcripts: non-coding transcript variant (3), intron variant (1).
Genome position (GRCh38, 1-based): chr10:86,900,081, T>C. VCF-style: chr10-86900081-T-C. GRCh37 (hg19) VCF-style: chr10-88659838-T-C.
Other names: c.333+7852T>C (NM_001406589.1); c.485T>C, p.Val162Ala (NM_001406582.1, NM_001406583.1, NM_001406559.1 and 22 more transcripts); c.401T>C, p.Val134Ala (NM_001406584.1, NM_001406585.1, NM_001406586.1 and 2 more transcripts); short protein forms V134A, V162A.
Identifiers: ClinVar variation 4867552 (VCV004867552.1).
Genomic context (GRCh38, chr10:86,900,081, plus strand): 5'-TGTCAGGTCCGTTTTTTGATGGCAGCATTCGATGGCTGGTTTTGCTCATTTCTATGGCTG[T>C]CTGCATAATTGCTATGATCATCTTCTCCAGCTGCTTTTGTTACAAGTAAGAAGATATTTA-3'
Protein context (NP_004320.2, residues 152-172): RWLVLLISMA[Val162Ala]CIIAMIIFSS

ClinVar aggregate classification (germline): Uncertain significance (1 of 4 stars; one submission).

Conditions:
Hereditary cancer-predisposing syndrome. Also called: Neoplastic Syndromes, Hereditary; Tumor predisposition; Hereditary Cancer Syndrome; Hereditary neoplastic syndrome. Identifiers: Orphanet 140162, MedGen C0027672, MeSH D009386, MONDO:0015356.

Submission:

Ambry Genetics
Classification: Uncertain significance for Hereditary cancer-predisposing syndrome. Last evaluated: 2026-04-06. Review status: criteria provided, single submitter. Criteria: Ambry Variant Classification Scheme 2023. Collection method: clinical testing. Allele origin: germline.
Comment: The p.V162A variant (also known as c.485T>C), located in coding exon 5 of the BMPR1A gene, results from a T to C substitution at nucleotide position 485. The valine at codon 162 is replaced by alanine, an amino acid with similar properties. This amino acid position is conserved. In addition, the in silico prediction for this alteration is inconclusive. Based on the available evidence, the clinical significance of this variant remains unclear.